The following is an entry in ClinVar:

ClinVar aggregate classification (germline): Uncertain significance. Review status: criteria provided, multiple submitters, no conflicts (2 of 4 stars). 2 submissions from 2 submitters: Uncertain significance (2). Last evaluated 2022-08-24.

Conditions:
Autosomal recessive mendelian susceptibility to mycobacterial diseases due to complete RORgamma receptor deficiency. Also called: Immunodeficiency 42. Identifiers: Orphanet 477857, MedGen C5567647, MONDO:0014710, OMIM 616622.

Allele frequency attached by ClinVar (database versions not stated): ExAC 0.00002; gnomAD exomes 0.00002 and 0.00003; gnomAD 0.00007; TOPMed 0.00015.

Submissions (2):

Labcorp Genetics (formerly Invitae), Labcorp
Classification: Uncertain significance for Autosomal recessive mendelian susceptibility to mycobacterial diseases due to complete RORgamma receptor deficiency. Last evaluated: 2022-08-24. Review status: criteria provided, single submitter. Criteria: Invitae Variant Classification Sherloc (09022015). Collection method: clinical testing. Allele origin: germline.
Comment: This sequence change replaces histidine, which is basic and polar, with tyrosine, which is neutral and polar, at codon 429 of the RORC protein (p.His429Tyr). This variant is present in population databases (rs202038919, gnomAD 0.02%). This variant has not been reported in the literature in individuals affected with RORC-related conditions. ClinVar contains an entry for this variant (Variation ID: 656474). Algorithms developed to predict the effect of missense changes on protein structure and function (SIFT, PolyPhen-2, Align-GVGD) all suggest that this variant is likely to be tolerated. In summary, the available evidence is currently insufficient to determine the role of this variant in disease. Therefore, it has been classified as a Variant of Uncertain Significance.

Breakthrough Genomics
Classification: Uncertain significance. Review status: criteria provided, single submitter. Criteria: ACMG Guidelines, 2015. Collection method: not provided. Allele origin: germline. Inheritance: Autosomal recessive inheritance. Affected: yes.

NM_005060.4(RORC):c.1285C>T (p.His429Tyr)

Gene: RORC (RAR related orphan receptor C; minus strand). Cytogenetic location: 1q21.3.
Variant type: single nucleotide variant.
Coding change: c.1285C>T on transcript NM_005060.4 (MANE Select); coding-DNA position 1285, C replaced by T.
Protein change: p.His429Tyr; replaces histidine 429 with tyrosine.
Molecular consequence: missense variant.
Genome position (GRCh38, 1-based): chr1:151,812,947, G>A on the plus strand (C>T on the coding strand, the complement: RORC is on the minus strand). VCF-style: chr1-151812947-G-A. GRCh37 (hg19) VCF-style: chr1-151785423-G-A.
Other names: c.1285C>T, p.His429Tyr (LRG_1322t1); c.1222C>T, p.His408Tyr (LRG_1322t2, NM_001001523.2); short protein forms H429Y, H408Y.
Identifiers: ClinVar variation 656474 (VCV000656474.6), dbSNP rs202038919, ClinGen allele CA1095708.
Genomic context (GRCh38, chr1:151,812,947, plus strand): 5'-TCAATATCTGCCATGCCCCTGCCACCTGAATGTCCTTCACCCAAGCCCAGCAACACTCAC[G>A]GGCATTGATGAGAACAAGGGCTGTGTAGAGGGCAATCTCATCCTCGGAAAAGTGCAAGGC-3'
Protein context (NP_005051.2, residues 419-439): LYTALVLINA[His429Tyr]RPGLQEKRKV